The following is an entry in ClinVar:

NM_005573.4(LMNB1):c.1147G>A (p.Gly383Ser)

Gene: LMNB1 (lamin B1; plus strand). Cytogenetic location: 5q23.2.
Variant type: single nucleotide variant.
Coding change: c.1147G>A on transcript NM_005573.4 (MANE Select); coding-DNA position 1147, G replaced by A.
Protein change: p.Gly383Ser; replaces glycine 383 with serine.
Molecular consequence: missense variant. On other transcripts: non-coding transcript variant (1).
Genome position (GRCh38, 1-based): chr5:126,819,129, G>A. VCF-style: chr5-126819129-G-A. GRCh37 (hg19) VCF-style: chr5-126154821-G-A.
Other names: c.517G>A, p.Gly173Ser (NM_001198557.2); short protein forms G173S, G383S.
Identifiers: ClinVar variation 1686721 (VCV001686721.2), dbSNP rs2126727119, ClinGen allele CA360726447.

ClinVar aggregate classification (germline): Uncertain significance (1 of 4 stars; one submission).

Allele frequency attached by ClinVar (database versions not stated): gnomAD exomes below 0.00001.

Submission:

GeneDx
Classification: Uncertain significance. Last evaluated: 2021-11-22. Review status: criteria provided, single submitter. Criteria: GeneDx Variant Classification Process June 2021. Collection method: clinical testing. Allele origin: germline. Affected: yes.
Comment: Not observed at significant frequency in large population cohorts (gnomAD); In silico analysis supports that this missense variant has a deleterious effect on protein structure/function; Has not been previously published as pathogenic or benign to our knowledge